The following is an entry in ClinVar:

ClinVar aggregate classification (germline): Pathogenic (1 of 4 stars; one submission).

Submission:

GeneDx
Classification: Pathogenic. Last evaluated: 2016-06-10. Review status: criteria provided, single submitter. Criteria: GeneDx Variant Classification (06012015). Collection method: clinical testing. Allele origin: germline. Affected: yes.
Comment: The W142X pathogenic variant in the SOX10 gene has not been reported previously as a pathogenic variant nor as a benign variant, to our knowledge. This variant is predicted to cause loss of normal protein function either through protein truncation or nonsense-mediated mRNA decay. The W142X variant was not observed in approximately 6500 individuals of European and African American ancestry in the NHLBI Exome Sequencing Project, indicating it is not a common benign variant in these populations. We interpret W142X as a pathogenic variant

NM_006941.4(SOX10):c.425G>A (p.Trp142Ter)

Genes: POLR2F (RNA polymerase II, I and III subunit F; plus strand), SOX10 (SRY-box transcription factor 10; minus strand). Cytogenetic location: 22q13.1.
Variant type: single nucleotide variant.
Coding change: c.425G>A on transcript NM_006941.4 (MANE Select); coding-DNA position 425, G replaced by A.
Protein change: p.Trp142Ter; replaces tryptophan 142 with a stop codon.
Molecular consequence: nonsense. On other transcripts: intron variant (3).
Genome position (GRCh38, 1-based): chr22:37,983,360, C>T on the plus strand (G>A on the coding strand, the complement: SOX10 is on the minus strand). VCF-style: chr22-37983360-C-T. GRCh37 (hg19) VCF-style: chr22-38379367-C-T.
Other names: c.*38+11050C>T (NM_001363825.1); c.294-2794C>T (NM_001301130.2); c.293+16190C>T (NM_001301131.2); short protein forms W142*.
Identifiers: ClinVar variation 265607 (VCV000265607.4), dbSNP rs886039664, ClinGen allele CA10588726.